The following is an entry in ClinVar:

ClinVar aggregate classification (germline): Conflicting classifications of pathogenicity. Review status: criteria provided, conflicting classifications (1 of 4 stars). 3 submissions from 3 submitters: Likely pathogenic (1); Uncertain significance (1). 1 of the submissions does not count toward it. Last evaluated 2024-01-01.

Conditions:
ITGA3-related disorder. Also called: ITGA3-related condition.
Epidermolysis bullosa, junctional 7, with interstitial lung disease and nephrotic syndrome. Also called: Interstitial Lung Disease with Nephrotic Syndrome and Epidermolysis Bullosa; Interstitial lung disease, nephrotic syndrome, and epidermolysis bullosa, congenital. Identifiers: Orphanet 306504, MedGen C4518785, MONDO:0013881, OMIM 614748.

Allele frequency attached by ClinVar (database versions not stated): TOPMed below 0.00001; gnomAD 0.00001.
gnomAD v4.1: 1 of 1,611,392 alleles (0.000062%); highest among the groups gnomAD compares: Non-Finnish European, 0.000085%; no homozygotes.

Submissions (3):

Daryl Scott Lab, Baylor College of Medicine
Classification: Uncertain significance for Epidermolysis bullosa, junctional 7, with interstitial lung disease and nephrotic syndrome. Last evaluated: 2024-01-01. Review status: criteria provided, single submitter. Criteria: ACMG Guidelines, 2015. Collection method: clinical testing. Allele origin: maternal. Affected: yes. Observed: 1 heterozygote.
Comment: PM2, PM3, PP3

Baylor Genetics
Classification: Likely pathogenic for Interstitial lung disease, nephrotic syndrome, and epidermolysis bullosa, congenital. Last evaluated: 2014-11-04. Review status: criteria provided, single submitter. Criteria: Yang et al. 2013. Collection method: clinical testing. Allele origin: maternal. Inheritance: Autosomal recessive inheritance. Affected: yes. Observed: 1 variant allele, 1 compound heterozygote. Study: Adult_WES.

PreventionGenetics, part of Exact Sciences
Classification: Uncertain significance for ITGA3-related condition. Last evaluated: 2024-05-09. Review status: no assertion criteria provided. Collection method: clinical testing. Allele origin: germline. Not counted in ClinVar's aggregate classification.
Comment: The ITGA3 c.1973C>G variant is predicted to result in the amino acid substitution p.Thr658Arg. This variant was reported to be in the compound heterozygous state with a pathogenic canonical splice variant in an individual from a whole exome sequencing cohort with clinical features of ITGA3-related disorder (Table S1: patient 32, Posey et al. 2015. PubMed ID: 26633545 and see more details at ClinVar). This variant has not been reported in a large population database, indicating this variant is rare. Although we suspect that this variant may be pathogenic, at this time, the clinical significance of this variant is uncertain due to the absence of conclusive functional and genetic evidence.

Literature cited by the submitters: PubMed 26633545 (cited by Baylor Genetics).

NM_002204.4(ITGA3):c.1973C>G (p.Thr658Arg)

Gene: ITGA3 (integrin subunit alpha 3; plus strand). Cytogenetic location: 17q21.33.
Variant type: single nucleotide variant.
Coding change: c.1973C>G on transcript NM_002204.4 (MANE Select); coding-DNA position 1973, C replaced by G.
Protein change: p.Thr658Arg; replaces threonine 658 with arginine.
Molecular consequence: missense variant.
Genome position (GRCh38, 1-based): chr17:50,077,024, C>G. VCF-style: chr17-50077024-C-G. GRCh37 (hg19) VCF-style: chr17-48154388-C-G.
Other names: c.1973C>G (NM_002204.3); short protein forms T658R.
Identifiers: ClinVar variation 209162 (VCV000209162.4), dbSNP rs540704248, ClinGen allele CA250358.
Genomic context (GRCh38, chr17:50,077,024, plus strand): 5'-CTGCTCTCAGGCTCCAGTACAGCAGAGACGTCCGGAAATTGCTCCTGAGCATCAACGTGA[C>G]GAACACCCGGACCTCGGAGCGCTCCGGGGAGGACGCCCACGAGGCGCTGCTCACCCTGGT-3'
Protein context (NP_002195.1, residues 648-668): VRKLLLSINV[Thr658Arg]NTRTSERSGE